The following is an entry in ClinVar:

ClinVar aggregate classification (germline): Uncertain significance (1 of 4 stars; one submission).

Submission:

Labcorp Genetics (formerly Invitae), Labcorp
Classification: Uncertain significance. Last evaluated: 2022-07-12. Review status: criteria provided, single submitter. Criteria: Invitae Variant Classification Sherloc (09022015). Collection method: clinical testing. Allele origin: germline.
Comment: This sequence change replaces arginine, which is basic and polar, with histidine, which is basic and polar, at codon 566 of the OCA2 protein (p.Arg566His). This variant is not present in population databases (gnomAD no frequency). This variant has not been reported in the literature in individuals affected with OCA2-related conditions. Algorithms developed to predict the effect of missense changes on protein structure and function are either unavailable or do not agree on the potential impact of this missense change (SIFT: "Deleterious"; PolyPhen-2: "Benign"; Align-GVGD: "Class C0"). In summary, the available evidence is currently insufficient to determine the role of this variant in disease. Therefore, it has been classified as a Variant of Uncertain Significance.

NM_000275.3(OCA2):c.1697G>A (p.Arg566His)

Gene: OCA2 (OCA2 melanosomal transmembrane protein; minus strand). Cytogenetic location: 15q13.1.
Variant type: single nucleotide variant.
Coding change: c.1697G>A on transcript NM_000275.3 (MANE Select); coding-DNA position 1697, G replaced by A.
Protein change: p.Arg566His; replaces arginine 566 with histidine.
Molecular consequence: missense variant.
Genome position (GRCh38, 1-based): chr15:27,957,675, C>T on the plus strand (G>A on the coding strand, the complement: OCA2 is on the minus strand). VCF-style: chr15-27957675-C-T. GRCh37 (hg19) VCF-style: chr15-28202821-C-T.
Other names: c.1625G>A, p.Arg542His (NM_001300984.2); short protein forms R542H, R566H.
Identifiers: ClinVar variation 2085006 (VCV002085006.1), dbSNP rs2040272133, ClinGen allele CA391365860.